The following is an entry in ClinVar:

NM_021008.4(DEAF1):c.1108G>A (p.Val370Ile)

Gene: DEAF1 (DEAF1 transcription factor; minus strand). Cytogenetic location: 11p15.5.
Variant type: single nucleotide variant.
Coding change: c.1108G>A on transcript NM_021008.4 (MANE Select); coding-DNA position 1108, G replaced by A.
Protein change: p.Val370Ile; replaces valine 370 with isoleucine.
Molecular consequence: missense variant.
Genome position (GRCh38, 1-based): chr11:679,706, C>T on the plus strand (G>A on the coding strand, the complement: DEAF1 is on the minus strand). VCF-style: chr11-679706-C-T. GRCh37 (hg19) VCF-style: chr11-679706-C-T.
Other names: c.1108G>A (NM_021008.3); c.841G>A, p.Val281Ile (NM_001293634.2); c.382G>A, p.Val128Ile (NM_001367390.1); short protein forms V128I, V281I, V370I.
Identifiers: ClinVar variation 1499641 (VCV001499641.8), dbSNP rs143058369, ClinGen allele CA5786329.

ClinVar aggregate classification (germline): Conflicting classifications of pathogenicity. Review status: criteria provided, conflicting classifications (1 of 4 stars). 3 submissions from 3 submitters: Uncertain significance (2); Likely benign (1). Last evaluated 2025-12-05.

Conditions:
DEAF1-related disorder.
Inborn genetic diseases. Identifiers: MedGen C0950123, MeSH D030342.

Allele frequency attached by ClinVar (database versions not stated): ExAC 0.00007; gnomAD 0.00007 and 0.00008; TOPMed 0.00007; gnomAD exomes 0.00009 and 0.00016; ESP Exome Variant Server 0.00031.
gnomAD v4.1: 237 of 1,612,820 alleles (0.015%); highest among the groups gnomAD compares: Non-Finnish European, 0.019%; 1 homozygote.

Submissions (3):

Labcorp Genetics (formerly Invitae), Labcorp
Classification: Uncertain significance. Last evaluated: 2025-12-05. Review status: criteria provided, single submitter. Criteria: Invitae Variant Classification Sherloc (09022015). Collection method: clinical testing. Allele origin: germline.
Comment: This sequence change replaces valine, which is neutral and non-polar, with isoleucine, which is neutral and non-polar, at codon 370 of the DEAF1 protein (p.Val370Ile). This variant is present in population databases (rs143058369, gnomAD 0.02%). This variant has not been reported in the literature in individuals affected with DEAF1-related conditions. ClinVar contains an entry for this variant (Variation ID: 1499641). Invitae Evidence Modeling of protein sequence and biophysical properties (such as structural, functional, and spatial information, amino acid conservation, physicochemical variation, residue mobility, and thermodynamic stability) has been performed for this missense variant. However, the output from this modeling did not meet the statistical confidence thresholds required to predict the impact of this variant on DEAF1 protein function. In summary, the available evidence is currently insufficient to determine the role of this variant in disease. Therefore, it has been classified as a Variant of Uncertain Significance.

PreventionGenetics, part of Exact Sciences
Classification: Uncertain significance for DEAF1-related condition. Last evaluated: 2025-05-20. Review status: criteria provided, single submitter. Criteria: ACMG Guidelines, 2015. Collection method: clinical testing. Allele origin: germline.
Comment: The DEAF1 c.1108G>A variant is predicted to result in the amino acid substitution p.Val370Ile. To our knowledge, this variant has not been reported in the literature. This variant is reported in 0.017% of alleles in individuals of European (Non-Finnish) descent in gnomAD. At this time, the clinical significance of this variant is uncertain due to the absence of conclusive functional and genetic evidence.

Ambry Genetics
Classification: Likely benign for Inborn genetic diseases. Last evaluated: 2023-02-16. Review status: criteria provided, single submitter. Criteria: Ambry Variant Classification Scheme 2023. Collection method: clinical testing. Allele origin: germline.